The following is an entry in ClinVar:

NM_000179.3(MSH6):c.866G>T (p.Gly289Val)

Gene: MSH6 (mutS homolog 6; plus strand). Cytogenetic location: 2p16.3.
Variant type: single nucleotide variant.
Coding change: c.866G>T on transcript NM_000179.3 (MANE Select); coding-DNA position 866, G replaced by T.
Protein change: p.Gly289Val; replaces glycine 289 with valine.
Molecular consequence: missense variant. On other transcripts: 5 prime UTR variant (2).
Genome position (GRCh38, 1-based): chr2:47,798,849, G>T. VCF-style: chr2-47798849-G-T. GRCh37 (hg19) VCF-style: chr2-48025988-G-T.
Other names: c.476G>T, p.Gly159Val (NM_001281492.2); c.-41G>T (NM_001281493.2, NM_001281494.2); short protein forms G289V, G159V.
Identifiers: ClinVar variation 455354 (VCV000455354.13), dbSNP rs368318845, ClinGen allele CA346740617.

ClinVar aggregate classification (germline): Conflicting classifications of pathogenicity. Review status: criteria provided, conflicting classifications (1 of 4 stars). 2 submissions from 2 submitters: Uncertain significance (1); Likely benign (1). Last evaluated 2025-07-01.

Conditions:
Hereditary nonpolyposis colorectal neoplasms. Identifiers: MedGen C0009405, MeSH D003123.
Hereditary cancer-predisposing syndrome. Also called: Hereditary Cancer Syndrome; Hereditary neoplastic syndrome; Neoplastic Syndromes, Hereditary; Tumor predisposition. Identifiers: Orphanet 140162, MedGen C0027672, MeSH D009386, MONDO:0015356.

gnomAD v4.1: 2 of 1,614,170 alleles (0.00012%); highest among the groups gnomAD compares: Admixed American, 0.0033%; no homozygotes.

Submissions (2):

Ambry Genetics
Classification: Uncertain significance for Hereditary cancer-predisposing syndrome. Last evaluated: 2025-07-01. Review status: criteria provided, single submitter. Criteria: Ambry Variant Classification Scheme 2023. Collection method: clinical testing. Allele origin: germline.
Comment: The p.G289V variant (also known as c.866G>T), located in coding exon 4 of the MSH6 gene, results from a G to T substitution at nucleotide position 866. The glycine at codon 289 is replaced by valine, an amino acid with dissimilar properties. This amino acid position is not well conserved in available vertebrate species. In addition, the in silico prediction for this alteration is inconclusive. Based on the available evidence, the clinical significance of this variant remains unclear.

Labcorp Genetics (formerly Invitae), Labcorp
Classification: Likely benign for Hereditary nonpolyposis colorectal neoplasms. Last evaluated: 2025-02-26. Review status: criteria provided, single submitter. Criteria: Invitae Variant Classification Sherloc (09022015). Collection method: clinical testing. Allele origin: germline.